The following is an entry in ClinVar:

ClinVar aggregate classification (germline): Uncertain significance. Review status: criteria provided, multiple submitters, no conflicts (2 of 4 stars). 6 submissions from 6 submitters: Uncertain significance (6). Last evaluated 2026-06-30.

Conditions:
RET-related disorder. Also called: RET-related condition; RET-related disease; RET-related disorders.
Hereditary cancer-predisposing syndrome. Also called: Neoplastic Syndromes, Hereditary; Hereditary Cancer Syndrome; Tumor predisposition; Hereditary neoplastic syndrome. Identifiers: Orphanet 140162, MedGen C0027672, MeSH D009386, MONDO:0015356.
Multiple endocrine neoplasia, type 2 (MEN2). Identifiers: Orphanet 653, MedGen C4048306, MONDO:0019003. Disease mechanism: gain of function.

Allele frequency attached by ClinVar (database versions not stated): gnomAD exomes below 0.00001; TOPMed below 0.00001; ExAC 0.00001.
gnomAD v4.1: 1 of 1,614,238 alleles (0.000062%); no homozygotes.

Submissions (6):

PreventionGenetics, part of Exact Sciences
Classification: Uncertain significance for RET-related condition. Last evaluated: 2026-06-30. Review status: criteria provided, single submitter. Criteria: ACMG Guidelines, 2015. Collection method: clinical testing. Allele origin: germline.
Comment: The RET c.478C>T variant is predicted to result in the amino acid substitution p.Leu160Phe. To our knowledge, this variant has not been reported in the literature. This variant is reported in 0.0099% of alleles in individuals of Ashkenazi Jewish descent in gnomAD and is interpreted as uncertain in ClinVar (Variation ID: 486343). At this time, the clinical significance of this variant is uncertain due to the absence of conclusive functional and genetic evidence.

Center for Genomic Medicine, Rigshospitalet, Copenhagen University Hospital
Classification: Uncertain significance. Last evaluated: 2025-03-04. Review status: criteria provided, single submitter. Criteria: ACMG Guidelines, 2015. Collection method: clinical testing. Allele origin: germline.

Ambry Genetics
Classification: Uncertain significance for Hereditary cancer-predisposing syndrome. Last evaluated: 2025-01-27. Review status: criteria provided, single submitter. Criteria: Ambry Variant Classification Scheme 2023. Collection method: clinical testing. Allele origin: germline.
Comment: The p.L160F variant (also known as c.478C>T), located in coding exon 3 of the RET gene, results from a C to T substitution at nucleotide position 478. The leucine at codon 160 is replaced by phenylalanine, an amino acid with highly similar properties. This amino acid position is not well conserved in available vertebrate species. In addition, this alteration is predicted to be tolerated by in silico analysis. Based on the available evidence, the clinical significance of this variant remains unclear.

All of Us Research Program, National Institutes of Health
Classification: Uncertain significance for Multiple endocrine neoplasia, type 2. Last evaluated: 2023-11-30. Review status: criteria provided, single submitter. Criteria: ACMG Guidelines, 2015. Collection method: clinical testing. Allele origin: germline. Inheritance: Autosomal dominant inheritance. Observed: 1 variant allele, 1 heterozygote.
Comment: This study involves interpretation of variants in research participants for the purpose of population health screening. Participant phenotype was not available at the time of variant classification. Additional details can be found in publication PMID: 35346344, PMCID: PMC8962531

Labcorp Genetics (formerly Invitae), Labcorp
Classification: Uncertain significance for Multiple endocrine neoplasia, type 2. Last evaluated: 2023-11-02. Review status: criteria provided, single submitter. Criteria: Invitae Variant Classification Sherloc (09022015). Collection method: clinical testing. Allele origin: germline.
Comment: This sequence change replaces leucine, which is neutral and non-polar, with phenylalanine, which is neutral and non-polar, at codon 160 of the RET protein (p.Leu160Phe). This variant is present in population databases (rs747536732, gnomAD 0.01%). This variant has not been reported in the literature in individuals affected with RET-related conditions. ClinVar contains an entry for this variant (Variation ID: 486343). Algorithms developed to predict the effect of missense changes on protein structure and function output the following: SIFT: "Not Available"; PolyPhen-2: "Benign"; Align-GVGD: "Not Available". The phenylalanine amino acid residue is found in multiple mammalian species, which suggests that this missense change does not adversely affect protein function. In summary, the available evidence is currently insufficient to determine the role of this variant in disease. Therefore, it has been classified as a Variant of Uncertain Significance.

GeneDx
Classification: Uncertain significance. Last evaluated: 2022-12-06. Review status: criteria provided, single submitter. Criteria: GeneDx Variant Classification Process June 2021. Collection method: clinical testing. Allele origin: germline. Affected: yes.
Comment: Not observed at significant frequency in large population cohorts (gnomAD); In silico analysis supports that this missense variant does not alter protein structure/function; Has not been previously published as pathogenic or benign to our knowledge; This variant is associated with the following publications: (PMID: 14633923)

NM_020975.6(RET):c.478C>T (p.Leu160Phe)

Gene: RET (ret proto-oncogene; plus strand). Cytogenetic location: 10q11.21.
Variant type: single nucleotide variant.
Coding change: c.478C>T on transcript NM_020975.6 (MANE Select); coding-DNA position 478, C replaced by T.
Protein change: p.Leu160Phe; replaces leucine 160 with phenylalanine.
Molecular consequence: missense variant.
Genome position (GRCh38, 1-based): chr10:43,102,482, C>T. VCF-style: chr10-43102482-C-T. GRCh37 (hg19) VCF-style: chr10-43597930-C-T.
Other names: c.478C>T, p.Leu160Phe (NM_000323.2, NM_001406743.1, NM_001406744.1 and 16 more transcripts); c.349C>T, p.Leu117Phe (NM_001406761.1, NM_001406762.1, NM_001406764.1 and 4 more transcripts); short protein forms L160F, L117F.
Identifiers: ClinVar variation 486343 (VCV000486343.26), dbSNP rs747536732, ClinGen allele CA043805.